The following is an entry in ClinVar:

NM_004369.4(COL6A3):c.950G>A (p.Gly317Glu)

Gene: COL6A3 (collagen type VI alpha 3 chain; minus strand). Cytogenetic location: 2q37.3.
Variant type: single nucleotide variant.
Coding change: c.950G>A on transcript NM_004369.4 (MANE Select); coding-DNA position 950, G replaced by A.
Protein change: p.Gly317Glu; replaces glycine 317 with glutamic acid.
Molecular consequence: missense variant. On other transcripts: intron variant (2).
Genome position (GRCh38, 1-based): chr2:237,387,944, C>T on the plus strand (G>A on the coding strand, the complement: COL6A3 is on the minus strand). VCF-style: chr2-237387944-C-T. GRCh37 (hg19) VCF-style: chr2-238296587-C-T.
Other names: c.332G>A, p.Gly111Glu (NM_057167.4, NM_057165.5); c.92-6445G>A (NM_057166.5, NM_057164.5); short protein forms G317E, G111E.
Identifiers: ClinVar variation 3634149 (VCV003634149.2).
Genomic context (GRCh38, chr2:237,387,944, plus strand): 5'-GCCCGGGTGAAGTGGTTCTCCACCACGAAATCAAGGGCGAGGCCGATATTGGCCAACTCC[C>T]CACCAGCAAACCCGAGGGCTTTCACTGCACCCAGAACCTGGGCCTTGGTGGAGTAGGTGT-3'
Protein context (NP_004360.2, residues 307-327): GAVKALGFAG[Gly317Glu]ELANIGLALD

ClinVar aggregate classification (germline): Uncertain significance (1 of 4 stars; one submission).

Conditions:
Bethlem myopathy 1A. Also called: Bethlem myopathy 1; MYOPATHY, BENIGN CONGENITAL, WITH CONTRACTURES; Bethlem Muscular Dystrophy. Identifiers: Orphanet 610, MedGen CN029274, MONDO:0024530, OMIM 158810.

gnomAD v4.1: 1 of 1,614,214 alleles (0.000062%); highest among the groups gnomAD compares: Non-Finnish European, 0.000085%; no homozygotes.

Submission:

Labcorp Genetics (formerly Invitae), Labcorp
Classification: Uncertain significance for Bethlem myopathy 1A. Last evaluated: 2025-02-10. Review status: criteria provided, single submitter. Criteria: Invitae Variant Classification Sherloc (09022015). Collection method: clinical testing. Allele origin: germline.
Comment: This sequence change replaces glycine, which is neutral and non-polar, with glutamic acid, which is acidic and polar, at codon 317 of the COL6A3 protein (p.Gly317Glu). This variant is not present in population databases (gnomAD no frequency). This variant has not been reported in the literature in individuals affected with COL6A3-related conditions. Invitae Evidence Modeling of protein sequence and biophysical properties (such as structural, functional, and spatial information, amino acid conservation, physicochemical variation, residue mobility, and thermodynamic stability) has been performed for this missense variant. However, the output from this modeling did not meet the statistical confidence thresholds required to predict the impact of this variant on COL6A3 protein function. In summary, the available evidence is currently insufficient to determine the role of this variant in disease. Therefore, it has been classified as a Variant of Uncertain Significance.